The following is an entry in ClinVar:

NM_024753.5(TTC21B):c.2794G>A (p.Asp932Asn)

Gene: TTC21B (tetratricopeptide repeat domain 21B; minus strand). Cytogenetic location: 2q24.3.
Variant type: single nucleotide variant.
Coding change: c.2794G>A on transcript NM_024753.5 (MANE Select); coding-DNA position 2794, G replaced by A.
Protein change: p.Asp932Asn; replaces aspartic acid 932 with asparagine.
Molecular consequence: missense variant.
Genome position (GRCh38, 1-based): chr2:165,899,844, C>T on the plus strand (G>A on the coding strand, the complement: TTC21B is on the minus strand). VCF-style: chr2-165899844-C-T. GRCh37 (hg19) VCF-style: chr2-166756354-C-T.
Other names: short protein forms D932N.
Identifiers: ClinVar variation 3762065 (VCV003762065.2).

ClinVar aggregate classification (germline): Uncertain significance (1 of 4 stars; one submission).

Conditions:
Jeune thoracic dystrophy. Also called: Jeune syndrome; Infantile thoracic dystrophy; Thoracic pelvic phalangeal dystrophy; Jeune's syndrome; Chondroectodermal dysplasia-like syndrome; Short-rib thoracic dysplasia. Identifiers: Orphanet 474, MedGen C0265275, MONDO:0018770.
Nephronophthisis. Also called: Juvenile Nephronophthisis. Identifiers: Orphanet 655, MedGen C0687120, MONDO:0019005, HP:0000090.

gnomAD v4.1: 1 of 1,613,966 alleles (0.000062%); highest among the groups gnomAD compares: Non-Finnish European, 0.000085%; no homozygotes.

Submission:

Labcorp Genetics (formerly Invitae), Labcorp
Classification: Uncertain significance for Jeune thoracic dystrophy; Nephronophthisis. Last evaluated: 2024-03-28. Review status: criteria provided, single submitter. Criteria: Invitae Variant Classification Sherloc (09022015). Collection method: clinical testing. Allele origin: germline.
Comment: This sequence change replaces aspartic acid, which is acidic and polar, with asparagine, which is neutral and polar, at codon 932 of the TTC21B protein (p.Asp932Asn). This variant is not present in population databases (gnomAD no frequency). This variant has not been reported in the literature in individuals affected with TTC21B-related conditions. Advanced modeling of protein sequence and biophysical properties (such as structural, functional, and spatial information, amino acid conservation, physicochemical variation, residue mobility, and thermodynamic stability) performed at Invitae indicates that this missense variant is not expected to disrupt TTC21B protein function with a negative predictive value of 95%. In summary, the available evidence is currently insufficient to determine the role of this variant in disease. Therefore, it has been classified as a Variant of Uncertain Significance.